The following is an entry in ClinVar:

NM_032043.3(BRIP1):c.1519A>G (p.Ile507Val)

Gene: BRIP1 (BRCA1 interacting DNA helicase 1; minus strand). Cytogenetic location: 17q23.2.
Variant type: single nucleotide variant.
Coding change: c.1519A>G on transcript NM_032043.3 (MANE Select); coding-DNA position 1519, A replaced by G.
Protein change: p.Ile507Val; replaces isoleucine 507 with valine.
Molecular consequence: missense variant.
Genome position (GRCh38, 1-based): chr17:61,784,379, T>C on the plus strand (A>G on the coding strand, the complement: BRIP1 is on the minus strand). VCF-style: chr17-61784379-T-C. GRCh37 (hg19) VCF-style: chr17-59861740-T-C.
Other names: short protein forms I507V.
Identifiers: ClinVar variation 483190 (VCV000483190.15), dbSNP rs1555603569, ClinGen allele CA400481332.

ClinVar aggregate classification (germline): Uncertain significance. Review status: criteria provided, multiple submitters, no conflicts (2 of 4 stars). 2 submissions from 2 submitters: Uncertain significance (2). Last evaluated 2024-12-04.

Conditions:
Fanconi anemia complementation group J. Also called: BRIP1-Related Fanconi Anemia. Identifiers: Orphanet 84, MedGen C1836860, MONDO:0012187, OMIM 609054.
Familial cancer of breast. Also called: BREAST CANCER, FAMILIAL; Hereditary breast cancer; hereditary breast carcinoma. Identifiers: Orphanet 227535, MedGen C0346153, MONDO:0016419, OMIM 114480. Disease mechanism: loss of function.
Hereditary cancer-predisposing syndrome. Also called: Hereditary neoplastic syndrome; Neoplastic Syndromes, Hereditary; Tumor predisposition; Hereditary Cancer Syndrome. Identifiers: Orphanet 140162, MedGen C0027672, MeSH D009386, MONDO:0015356.

Submissions (2):

Ambry Genetics
Classification: Uncertain significance for Hereditary cancer-predisposing syndrome. Last evaluated: 2024-12-04. Review status: criteria provided, single submitter. Criteria: Ambry Variant Classification Scheme 2023. Collection method: clinical testing. Allele origin: germline.
Comment: The p.I507V variant (also known as c.1519A>G), located in coding exon 10 of the BRIP1 gene, results from an A to G substitution at nucleotide position 1519. The isoleucine at codon 507 is replaced by valine, an amino acid with highly similar properties. This amino acid position is not well conserved in available vertebrate species. In addition, this alteration is predicted to be tolerated by in silico analysis. Since supporting evidence is limited at this time, the clinical significance of this alteration remains unclear.

Labcorp Genetics (formerly Invitae), Labcorp
Classification: Uncertain significance for Familial cancer of breast; Fanconi anemia complementation group J. Last evaluated: 2024-08-13. Review status: criteria provided, single submitter. Criteria: Invitae Variant Classification Sherloc (09022015). Collection method: clinical testing. Allele origin: germline.
Comment: This sequence change replaces isoleucine, which is neutral and non-polar, with valine, which is neutral and non-polar, at codon 507 of the BRIP1 protein (p.Ile507Val). This variant is not present in population databases (gnomAD no frequency). This variant has not been reported in the literature in individuals affected with BRIP1-related conditions. ClinVar contains an entry for this variant (Variation ID: 483190). Advanced modeling of protein sequence and biophysical properties (such as structural, functional, and spatial information, amino acid conservation, physicochemical variation, residue mobility, and thermodynamic stability) performed at Invitae indicates that this missense variant is not expected to disrupt BRIP1 protein function with a negative predictive value of 80%. In summary, the available evidence is currently insufficient to determine the role of this variant in disease. Therefore, it has been classified as a Variant of Uncertain Significance.